The following is an entry in ClinVar:

ClinVar aggregate classification (germline): Pathogenic (1 of 4 stars; one submission).

Conditions:
Usher syndrome type 1 (USH1). Also called: RETINITIS PIGMENTOSA AND CONGENITAL DEAFNESS. Identifiers: Orphanet 231169, Orphanet 886, MedGen C1568247, MONDO:0010168, OMIM 276900.

Submission:

Myriad Genetics, Inc.
Classification: Pathogenic for Usher syndrome type 1. Last evaluated: 2023-09-05. Review status: criteria provided, single submitter. Criteria: Myriad Autosomal Dominant, Autosomal Recessive and X-Linked Classification Criteria (2023). Collection method: clinical testing. Allele origin: unknown.
Comment: NM_000260.3(MYO7A):c.5513G>A(W1838*) is expected to be pathogenic in the context of MYO7A-related disorders. This variant is predicted to lead to an abnormal or absent protein product due to the creation of a premature termination codon in MYO7A, a gene where loss-of-function variants are known to be pathogenic. Please note: this variant was assessed in the context of healthy population screening.

NM_000260.4(MYO7A):c.5513G>A (p.Trp1838Ter)

Gene: MYO7A (myosin VIIA; plus strand). Cytogenetic location: 11q13.5.
Variant type: single nucleotide variant.
Coding change: c.5513G>A on transcript NM_000260.4 (MANE Select); coding-DNA position 5513, G replaced by A.
Protein change: p.Trp1838Ter; replaces tryptophan 1838 with a stop codon.
Molecular consequence: nonsense.
Genome position (GRCh38, 1-based): chr11:77,205,494, G>A. VCF-style: chr11-77205494-G-A. GRCh37 (hg19) VCF-style: chr11-76916539-G-A.
Other names: c.5399G>A, p.Trp1800Ter (NM_001127180.2); c.5366G>A, p.Trp1789Ter (NM_001369365.1); short protein forms W1789*, W1800*, W1838*.
Identifiers: ClinVar variation 5011570 (VCV005011570.1).